The following is an entry in ClinVar:

NM_000512.5(GALNS):c.1027A>T (p.Met343Leu)

Gene: GALNS (galactosamine (N-acetyl)-6-sulfatase; minus strand). Cytogenetic location: 16q24.3.
Variant type: single nucleotide variant.
Coding change: c.1027A>T on transcript NM_000512.5 (MANE Select); coding-DNA position 1027, A replaced by T.
Protein change: p.Met343Leu; replaces methionine 343 with leucine.
Molecular consequence: missense variant.
Genome position (GRCh38, 1-based): chr16:88,826,814, T>A on the plus strand (A>T on the coding strand, the complement: GALNS is on the minus strand). VCF-style: chr16-88826814-T-A. GRCh37 (hg19) VCF-style: chr16-88893222-T-A.
Other names: c.472A>T, p.Met158Leu (NM_001323543.2); c.1045A>T, p.Met349Leu (NM_001323544.2); short protein forms M158L, M343L, M349L.
Identifiers: ClinVar variation 1048437 (VCV001048437.3), dbSNP rs1910977435, ClinGen allele CA397098605.

ClinVar aggregate classification (germline): Uncertain significance (1 of 4 stars; one submission).

Conditions:
Mucopolysaccharidosis, MPS-IV-A (MPS4A). Also called: Mucopolysaccharidosis type IV A; Mucopolysaccharidosis Type IVA; Morquio syndrome A, mild; MORQUIO SYNDROME A; MPS IVA; mucopolysaccharidosis type 4A. Identifiers: Orphanet 309297, Orphanet 582, MedGen C0086651, MONDO:0009659, OMIM 253000.

Submission:

Laboratory of Diagnosis and Therapy of Lysosomal Disorders, University of Padova
Classification: Uncertain significance for Mucopolysaccharidosis, MPS-IV-A. Last evaluated: 2021-02-01. Review status: criteria provided, single submitter. Criteria: ACMG Guidelines, 2015. Collection method: curation. Allele origin: germline. Affected: yes.
Comment: In vitro functional studies supportive of a damaging effect on the gene product (low in vitro enzymatic activity; PS3_supporting); absent from gnomAD v2.1.1 (PM2_moderate)

Literature cited by the submitters: PubMed 7795586; PubMed 34387910.